The following is an entry in ClinVar:

NM_000548.5(TSC2):c.5160+37C>G

Gene: TSC2 (TSC complex subunit 2; plus strand). Cytogenetic location: 16p13.3.
Variant type: single nucleotide variant.
Coding change: c.5160+37C>G on transcript NM_000548.5 (MANE Select); 37 bases into the intron after coding-DNA position 5160, C replaced by G.
Molecular consequence: intron variant.
Genome position (GRCh38, 1-based): chr16:2,088,176, C>G. VCF-style: chr16-2088176-C-G. GRCh37 (hg19) VCF-style: chr16-2138177-C-G.
Other names: c.3618+37C>G (NM_001406693.1, NM_001406692.1, NM_001406694.1); c.5052+37C>G (NM_001406667.1); c.5049+37C>G (NM_001406668.1); c.4560+37C>G (NM_001406680.1); c.4491+37C>G (NM_001406683.1, NM_001406682.1); c.4359+37C>G (NM_001406687.1, NM_001406688.1); c.3747+37C>G (NM_001406689.1); c.3687+37C>G (NM_001406690.1); and 26 more.
Identifiers: ClinVar variation 3032885 (VCV003032885.2), dbSNP rs45517400, ClinGen allele CA054158.

ClinVar aggregate classification (germline): Likely benign (0 of 4 stars; one submission).

Conditions:
TSC2-related disorder. Also called: TSC2-Related Disorders; TSC2-related condition.

Submission:

PreventionGenetics, part of Exact Sciences
Classification: Likely benign for TSC2-related condition. Last evaluated: 2020-11-19. Review status: no assertion criteria provided. Collection method: clinical testing. Allele origin: germline.
Comment: This variant is classified as likely benign based on ACMG/AMP sequence variant interpretation guidelines (Richards et al. 2015 PMID: 25741868, with internal and published modifications).